The following is an entry in ClinVar:

ClinVar aggregate classification (germline): Uncertain significance. Review status: criteria provided, multiple submitters, no conflicts (2 of 4 stars). 2 submissions from 2 submitters: Uncertain significance (2). Last evaluated 2025-08-27.

Conditions:
Inborn genetic diseases. Identifiers: MedGen C0950123, MeSH D030342.

Allele frequency attached by ClinVar (database versions not stated): gnomAD exomes below 0.00001.
gnomAD v4.1: 2 of 1,613,916 alleles (0.00012%); highest among the groups gnomAD compares: Admixed American, 0.0017%; no homozygotes.

Submissions (2):

Ambry Genetics
Classification: Uncertain significance for Inborn genetic diseases. Last evaluated: 2025-08-27. Review status: criteria provided, single submitter. Criteria: Ambry Variant Classification Scheme 2023. Collection method: clinical testing. Allele origin: germline.

GeneDx
Classification: Uncertain significance. Last evaluated: 2022-01-28. Review status: criteria provided, single submitter. Criteria: GeneDx Variant Classification Process June 2021. Collection method: clinical testing. Allele origin: germline. Affected: yes.
Comment: Not observed at significant frequency in large population cohorts (gnomAD); In silico analysis supports that this missense variant does not alter protein structure/function; Has not been previously published as pathogenic or benign to our knowledge

NM_001393769.1(MED12L):c.3533T>G (p.Phe1178Cys)

Genes: MED12L (mediator complex subunit 12L; plus strand), P2RY12 (purinergic receptor P2Y12; minus strand). Cytogenetic location: 3q25.1.
Variant type: single nucleotide variant.
Coding change: c.3533T>G on transcript NM_001393769.1 (MANE Select); coding-DNA position 3533, T replaced by G.
Protein change: p.Phe1178Cys; replaces phenylalanine 1178 with cysteine.
Molecular consequence: missense variant. On other transcripts: intron variant (1).
Genome position (GRCh38, 1-based): chr3:151,368,234, T>G. VCF-style: chr3-151368234-T-G. GRCh37 (hg19) VCF-style: chr3-151086022-T-G.
Other names: c.3428T>G (NM_053002.4); c.3428T>G, p.Phe1143Cys (NM_053002.6); c.-180+16458A>C (NM_022788.5); short protein forms F1143C, F1178C.
Identifiers: ClinVar variation 1699844 (VCV001699844.3), dbSNP rs2107951114, ClinGen allele CA354971172.